The following is an entry in ClinVar:

NM_006088.6(TUBB4B):c.252C>A (p.Ile84=)

Gene: TUBB4B (tubulin beta 4B class IVb; plus strand). Cytogenetic location: 9q34.3.
Variant type: single nucleotide variant.
Coding change: c.252C>A on transcript NM_006088.6 (MANE Select); coding-DNA position 252, C replaced by A.
Protein change: p.Ile84=; no amino-acid change (isoleucine 84 retained).
Molecular consequence: synonymous variant.
Genome position (GRCh38, 1-based): chr9:137,241,996, C>A. VCF-style: chr9-137241996-C-A. GRCh37 (hg19) VCF-style: chr9-140136448-C-A.
Identifiers: ClinVar variation 3055036 (VCV003055036.4), dbSNP rs143366417, ClinGen allele CA5365255.

ClinVar aggregate classification (germline): Likely benign. Review status: criteria provided, multiple submitters, no conflicts (2 of 4 stars). 3 submissions from 3 submitters: Likely benign (2). 1 of the submissions does not count toward it. Last evaluated 2025-03-05.

Conditions:
TUBB4B-related disorder. Also called: TUBB4B-related condition.

Allele frequency attached by ClinVar (database versions not stated): ExAC 0.00009; gnomAD 0.00014; ESP Exome Variant Server 0.00031; 1000 Genomes Project 0.00040; 1000 Genomes Project 30x 0.00047.
gnomAD v4.1: 312 of 1,610,760 alleles (0.019%); highest among the groups gnomAD compares: Non-Finnish European, 0.024%; no homozygotes.

Submissions (3):

Labcorp Genetics (formerly Invitae), Labcorp
Classification: Likely benign. Last evaluated: 2025-03-05. Review status: criteria provided, single submitter. Criteria: Invitae Variant Classification Sherloc (09022015). Collection method: clinical testing. Allele origin: germline.

Blueprint Genetics
Classification: Likely benign. Last evaluated: 2023-10-27. Review status: criteria provided, single submitter. Criteria: ACMG Guidelines, 2015. Collection method: clinical testing. Allele origin: germline.

PreventionGenetics, part of Exact Sciences
Classification: Likely benign for TUBB4B-related condition. Last evaluated: 2023-02-27. Review status: no assertion criteria provided. Collection method: clinical testing. Allele origin: germline. Not counted in ClinVar's aggregate classification.
Comment: This variant is classified as likely benign based on ACMG/AMP sequence variant interpretation guidelines (Richards et al. 2015 PMID: 25741868, with internal and published modifications).